The following is an entry in ClinVar:

NM_001853.4(COL9A3):c.998A>G (p.Asn333Ser)

Gene: COL9A3 (collagen type IX alpha 3 chain; plus strand). Cytogenetic location: 20q13.33.
Variant type: single nucleotide variant.
Coding change: c.998A>G on transcript NM_001853.4 (MANE Select); coding-DNA position 998, A replaced by G.
Protein change: p.Asn333Ser; replaces asparagine 333 with serine.
Molecular consequence: missense variant.
Genome position (GRCh38, 1-based): chr20:62,828,966, A>G. VCF-style: chr20-62828966-A-G. GRCh37 (hg19) VCF-style: chr20-61460318-A-G.
Other names: short protein forms N333S.
Identifiers: ClinVar variation 1494458 (VCV001494458.8), dbSNP rs1223892470, ClinGen allele CA409593222.

ClinVar aggregate classification (germline): Uncertain significance (1 of 4 stars; one submission).

Allele frequency attached by ClinVar (database versions not stated): gnomAD exomes below 0.00001.
gnomAD v4.1: 3 of 1,608,248 alleles (0.00019%); highest among the groups gnomAD compares: South Asian, 0.0011%; no homozygotes.

Submission:

Labcorp Genetics (formerly Invitae), Labcorp
Classification: Uncertain significance. Last evaluated: 2025-09-16. Review status: criteria provided, single submitter. Criteria: Invitae Variant Classification Sherloc (09022015). Collection method: clinical testing. Allele origin: germline.
Comment: This sequence change replaces asparagine, which is neutral and polar, with serine, which is neutral and polar, at codon 333 of the COL9A3 protein (p.Asn333Ser). The frequency data for this variant in the population databases is considered unreliable, as metrics indicate poor data quality at this position in the gnomAD database. This variant has not been reported in the literature in individuals affected with COL9A3-related conditions. ClinVar contains an entry for this variant (Variation ID: 1494458). Invitae Evidence Modeling of protein sequence and biophysical properties (such as structural, functional, and spatial information, amino acid conservation, physicochemical variation, residue mobility, and thermodynamic stability) indicates that this missense variant is not expected to disrupt COL9A3 protein function with a negative predictive value of 95%. In summary, the available evidence is currently insufficient to determine the role of this variant in disease. Therefore, it has been classified as a Variant of Uncertain Significance.